The following is an entry in ClinVar:

ClinVar aggregate classification (germline): Uncertain significance (1 of 4 stars; one submission).

Conditions:
DK1-congenital disorder of glycosylation. Also called: DK1 DEFICIENCY; DOLICHOL KINASE DEFICIENCY; DOLK-congenital disorder of glycosylation; Carbohydrate deficient glycoprotein syndrome type 1m; DK1-CDG; CONGENITAL DISORDER OF GLYCOSYLATION, TYPE Im. Identifiers: Orphanet 91131, MedGen C1835849, MONDO:0012556, OMIM 610768.

Allele frequency attached by ClinVar (database versions not stated): ExAC 0.00001; gnomAD exomes 0.00001.

Submission:

Labcorp Genetics (formerly Invitae), Labcorp
Classification: Uncertain significance for DK1-congenital disorder of glycosylation. Last evaluated: 2025-12-03. Review status: criteria provided, single submitter. Criteria: Invitae Variant Classification Sherloc (09022015). Collection method: clinical testing. Allele origin: germline.
Comment: This sequence change replaces alanine, which is neutral and non-polar, with valine, which is neutral and non-polar, at codon 368 of the DOLK protein (p.Ala368Val). The frequency data for this variant in the population databases is considered unreliable, as metrics indicate poor data quality at this position in the gnomAD database. This variant has not been reported in the literature in individuals affected with DOLK-related conditions. ClinVar contains an entry for this variant (Variation ID: 2143183). Invitae Evidence Modeling of protein sequence and biophysical properties (such as structural, functional, and spatial information, amino acid conservation, physicochemical variation, residue mobility, and thermodynamic stability) indicates that this missense variant is not expected to disrupt DOLK protein function with a negative predictive value of 80%. In summary, the available evidence is currently insufficient to determine the role of this variant in disease. Therefore, it has been classified as a Variant of Uncertain Significance.

NM_014908.4(DOLK):c.1103C>T (p.Ala368Val)

Gene: DOLK (dolichol kinase; minus strand). Cytogenetic location: 9q34.11.
Variant type: single nucleotide variant.
Coding change: c.1103C>T on transcript NM_014908.4 (MANE Select); coding-DNA position 1103, C replaced by T.
Protein change: p.Ala368Val; replaces alanine 368 with valine.
Molecular consequence: missense variant.
Genome position (GRCh38, 1-based): chr9:128,946,201, G>A on the plus strand (C>T on the coding strand, the complement: DOLK is on the minus strand). VCF-style: chr9-128946201-G-A. GRCh37 (hg19) VCF-style: chr9-131708480-G-A.
Other names: short protein forms A368V.
Identifiers: ClinVar variation 2143183 (VCV002143183.3), dbSNP rs752585632, ClinGen allele CA5271632.